The following is an entry in ClinVar:

ClinVar aggregate classification (germline): Uncertain significance (1 of 4 stars; one submission).

Conditions:
Hereditary cancer-predisposing syndrome. Also called: Tumor predisposition; Hereditary neoplastic syndrome; Hereditary Cancer Syndrome; Neoplastic Syndromes, Hereditary. Identifiers: Orphanet 140162, MedGen C0027672, MeSH D009386, MONDO:0015356.

Allele frequency attached by ClinVar (database versions not stated): ExAC 0.00001.

Submission:

Ambry Genetics
Classification: Uncertain significance for Hereditary cancer-predisposing syndrome. Last evaluated: 2023-12-11. Review status: criteria provided, single submitter. Criteria: Ambry Variant Classification Scheme 2023. Collection method: clinical testing. Allele origin: germline.
Comment: The p.E28G variant (also known as c.83A>G), located in coding exon 2 of the XRCC2 gene, results from an A to G substitution at nucleotide position 83. The glutamic acid at codon 28 is replaced by glycine, an amino acid with similar properties. This amino acid position is conserved. In addition, the in silico prediction for this alteration is inconclusive. Since supporting evidence is limited at this time, the clinical significance of this alteration remains unclear.

NM_005431.2(XRCC2):c.83A>G (p.Glu28Gly)

Gene: XRCC2 (X-ray repair cross complementing 2; minus strand). Cytogenetic location: 7q36.1.
Variant type: single nucleotide variant.
Coding change: c.83A>G on transcript NM_005431.2 (MANE Select); coding-DNA position 83, A replaced by G.
Protein change: p.Glu28Gly; replaces glutamic acid 28 with glycine.
Molecular consequence: missense variant.
Genome position (GRCh38, 1-based): chr7:152,660,739, T>C on the plus strand (A>G on the coding strand, the complement: XRCC2 is on the minus strand). VCF-style: chr7-152660739-T-C. GRCh37 (hg19) VCF-style: chr7-152357824-T-C.
Other names: short protein forms E28G.
Identifiers: ClinVar variation 3224702 (VCV003224702.1), dbSNP rs772509446, ClinGen allele CA4582406.